The following is an entry in ClinVar:

NM_016188.5(ACTL6B):c.375C>A (p.Asn125Lys)

Gene: ACTL6B (actin like 6B; minus strand). Cytogenetic location: 7q22.1.
Variant type: single nucleotide variant.
Coding change: c.375C>A on transcript NM_016188.5 (MANE Select); coding-DNA position 375, C replaced by A.
Protein change: p.Asn125Lys; replaces asparagine 125 with lysine.
Molecular consequence: missense variant. On other transcripts: non-coding transcript variant (1).
Genome position (GRCh38, 1-based): chr7:100,650,130, G>T on the plus strand (C>A on the coding strand, the complement: ACTL6B is on the minus strand). VCF-style: chr7-100650130-G-T. GRCh37 (hg19) VCF-style: chr7-100247753-G-T.
Other names: short protein forms N125K.
Identifiers: ClinVar variation 1709092 (VCV001709092.2), dbSNP rs2486163472, ClinGen allele CA368547204.

ClinVar aggregate classification (germline): Likely pathogenic (1 of 4 stars; one submission).

Conditions:
Intellectual developmental disorder with severe speech and ambulation defects. Identifiers: MedGen C5193115, MONDO:0032770, OMIM 618470.

Submission:

MGZ Medical Genetics Center
Classification: Likely pathogenic for Intellectual developmental disorder with severe speech and ambulation defects. Last evaluated: 2022-02-03. Review status: criteria provided, single submitter. Criteria: ACMG Guidelines, 2015. Collection method: clinical testing. Allele origin: germline. Affected: yes. Observed: 1 variant allele.
Comment: ACMG criteria applied: PS2, PM2_SUP, PP3